The following is an entry in ClinVar:

NM_005876.5(SPEG):c.3010C>T (p.Arg1004Cys)

Gene: SPEG (striated muscle enriched protein kinase; plus strand). Cytogenetic location: 2q35.
Variant type: single nucleotide variant.
Coding change: c.3010C>T on transcript NM_005876.5 (MANE Select); coding-DNA position 3010, C replaced by T.
Protein change: p.Arg1004Cys; replaces arginine 1004 with cysteine.
Molecular consequence: missense variant.
Genome position (GRCh38, 1-based): chr2:219,467,302, C>T. VCF-style: chr2-219467302-C-T. GRCh37 (hg19) VCF-style: chr2-220332024-C-T.
Other names: short protein forms R1004C.
Identifiers: ClinVar variation 1919216 (VCV001919216.5), dbSNP rs200618676, ClinGen allele CA2126044.

ClinVar aggregate classification (germline): Uncertain significance. Review status: criteria provided, multiple submitters, no conflicts (2 of 4 stars). 2 submissions from 2 submitters: Uncertain significance (2). Last evaluated 2024-03-14.

Conditions:
Myopathy, centronuclear, 5 (CNM5). Identifiers: Orphanet 169186, MedGen C4014814, MONDO:0014418, OMIM 615959.

Allele frequency attached by ClinVar (database versions not stated): gnomAD 0.00001; TOPMed 0.00001; 1000 Genomes Project 30x 0.00016; 1000 Genomes Project 0.00020; ExAC 0.00001.
gnomAD v4.1: 23 of 1,610,728 alleles (0.0014%); highest among the groups gnomAD compares: African/African-American, 0.0027%; no homozygotes.

Submissions (2):

Revvity Omics, Revvity
Classification: Uncertain significance for Myopathy, centronuclear, 5. Last evaluated: 2024-03-14. Review status: criteria provided, single submitter. Criteria: ACMG Guidelines, 2015. Collection method: clinical testing. Allele origin: germline.

Labcorp Genetics (formerly Invitae), Labcorp
Classification: Uncertain significance. Last evaluated: 2022-10-05. Review status: criteria provided, single submitter. Criteria: Invitae Variant Classification Sherloc (09022015). Collection method: clinical testing. Allele origin: germline.
Comment: In summary, the available evidence is currently insufficient to determine the role of this variant in disease. Therefore, it has been classified as a Variant of Uncertain Significance. Algorithms developed to predict the effect of missense changes on protein structure and function (SIFT, PolyPhen-2, Align-GVGD) all suggest that this variant is likely to be disruptive. This variant has not been reported in the literature in individuals affected with SPEG-related conditions. This variant is present in population databases (rs200618676, gnomAD 0.005%). This sequence change replaces arginine, which is basic and polar, with cysteine, which is neutral and slightly polar, at codon 1004 of the SPEG protein (p.Arg1004Cys).